The following is an entry in ClinVar:

ClinVar aggregate classification (germline): Uncertain significance (1 of 4 stars; one submission).

Conditions:
RERE-related disorder. Also called: RERE-related condition; RERE-Related Disorders. Identifiers: MedGen CN381537.

gnomAD v4.1: 1 of 1,613,576 alleles (0.000062%); highest among the groups gnomAD compares: Non-Finnish European, 0.000085%; no homozygotes.

Submission:

PreventionGenetics, part of Exact Sciences
Classification: Uncertain significance for RERE-related condition. Last evaluated: 2024-10-03. Review status: criteria provided, single submitter. Criteria: ACMG Guidelines, 2015. Collection method: clinical testing. Allele origin: germline.
Comment: The RERE c.583G>A variant is predicted to result in the amino acid substitution p.Asp195Asn. To our knowledge, this variant has not been reported in the literature or in a large population database (gnomAD), indicating this variant is rare. At this time, the clinical significance of this variant is uncertain due to the absence of conclusive functional and genetic evidence.

NM_001042681.2(RERE):c.583G>A (p.Asp195Asn)

Gene: RERE (arginine-glutamic acid dipeptide repeats; minus strand). Cytogenetic location: 1p36.23.
Variant type: single nucleotide variant.
Coding change: c.583G>A on transcript NM_001042681.2 (MANE Select); coding-DNA position 583, G replaced by A.
Protein change: p.Asp195Asn; replaces aspartic acid 195 with asparagine.
Molecular consequence: missense variant.
Genome position (GRCh38, 1-based): chr1:8,557,463, C>T on the plus strand (G>A on the coding strand, the complement: RERE is on the minus strand). VCF-style: chr1-8557463-C-T. GRCh37 (hg19) VCF-style: chr1-8617522-C-T.
Other names: c.583G>A, p.Asp195Asn (NM_012102.4); short protein forms D195N.
Identifiers: ClinVar variation 4988059 (VCV004988059.1).